The following is an entry in ClinVar:

NM_006230.4(POLD2):c.-18C>A

Gene: POLD2 (DNA polymerase delta 2, accessory subunit; minus strand). Cytogenetic location: 7p13.
Variant type: single nucleotide variant.
Coding change: c.-18C>A on transcript NM_006230.4 (MANE Select); 18 bases upstream of the start codon, C replaced by A.
Molecular consequence: 5 prime UTR variant.
Genome position (GRCh38, 1-based): chr7:44,122,071, G>T on the plus strand (C>A on the coding strand, the complement: POLD2 is on the minus strand). VCF-style: chr7-44122071-G-T. GRCh37 (hg19) VCF-style: chr7-44161670-G-T.
Other names: c.-18C>A (NM_001127218.3, NM_001256879.2).
Identifiers: ClinVar variation 2871261 (VCV002871261.3), dbSNP rs565491029, ClinGen allele CA4239001.

ClinVar aggregate classification (germline): Uncertain significance (1 of 4 stars; one submission).

Allele frequency attached by ClinVar (database versions not stated): gnomAD 0.00001; TOPMed 0.00001; 1000 Genomes Project 30x 0.00016; 1000 Genomes Project 0.00020.
gnomAD v4.1: 13 of 1,611,352 alleles (0.00081%); highest among the groups gnomAD compares: East Asian, 0.029%; no homozygotes.

Submission:

Labcorp Genetics (formerly Invitae), Labcorp
Classification: Uncertain significance. Last evaluated: 2022-10-27. Review status: criteria provided, single submitter. Criteria: Invitae Variant Classification Sherloc (09022015). Collection method: clinical testing. Allele origin: germline.
Comment: This sequence change replaces glutamine, which is neutral and polar, with lysine, which is basic and polar, at codon 30 of the POLD2 protein (p.Gln30Lys). This variant is present in population databases (rs565491029, gnomAD 0.03%). In summary, the available evidence is currently insufficient to determine the role of this variant in disease. Therefore, it has been classified as a Variant of Uncertain Significance. This variant has not been reported in the literature in individuals affected with POLD2-related conditions. Algorithms developed to predict the effect of missense changes on protein structure and function are either unavailable or do not agree on the potential impact of this missense change (SIFT: "Tolerated"; PolyPhen-2: "Not Available"; Align-GVGD: "Class C0").